The following is an entry in ClinVar:

NM_003482.4(KMT2D):c.13789A>G (p.Ser4597Gly)

Gene: KMT2D (lysine methyltransferase 2D; minus strand). Cytogenetic location: 12q13.12.
Variant type: single nucleotide variant.
Coding change: c.13789A>G on transcript NM_003482.4 (MANE Select); coding-DNA position 13789, A replaced by G.
Protein change: p.Ser4597Gly; replaces serine 4597 with glycine.
Molecular consequence: missense variant.
Genome position (GRCh38, 1-based): chr12:49,030,651, T>C on the plus strand (A>G on the coding strand, the complement: KMT2D is on the minus strand). VCF-style: chr12-49030651-T-C. GRCh37 (hg19) VCF-style: chr12-49424434-T-C.
Other names: short protein forms S4597G.
Identifiers: ClinVar variation 2505982 (VCV002505982.1), dbSNP rs2498344791, ClinGen allele CA384701975.

ClinVar aggregate classification (germline): Uncertain significance (1 of 4 stars; one submission).

Submission:

GeneDx
Classification: Uncertain significance. Last evaluated: 2022-12-12. Review status: criteria provided, single submitter. Criteria: GeneDx Variant Classification Process June 2021. Collection method: clinical testing. Allele origin: germline. Affected: yes.
Comment: Not observed at significant frequency in large population cohorts (gnomAD); In silico analysis supports that this missense variant does not alter protein structure/function; Has not been previously published as pathogenic or benign to our knowledge